The following is an entry in ClinVar:

NM_002734.5(PRKAR1A):c.177+1G>T

Gene: PRKAR1A (protein kinase cAMP-dependent type I regulatory subunit alpha; plus strand). Cytogenetic location: 17q24.2.
Variant type: single nucleotide variant.
Coding change: c.177+1G>T on transcript NM_002734.5 (MANE Select); the canonical splice donor site of the intron after coding-DNA position 177, G replaced by T.
Molecular consequence: splice donor variant.
Genome position (GRCh38, 1-based): chr17:68,515,577, G>T. VCF-style: chr17-68515577-G-T. GRCh37 (hg19) VCF-style: chr17-66511718-G-T.
Other names: c.177+1G>T (NM_001278433.2, NM_001369389.1, NM_212471.3 and 4 more transcripts).
Identifiers: ClinVar variation 3222761 (VCV003222761.1), dbSNP rs1555811753, ClinGen allele CA400752142.

ClinVar aggregate classification (germline): Likely pathogenic (1 of 4 stars; one submission).

Conditions:
Hereditary cancer-predisposing syndrome. Also called: Tumor predisposition; Hereditary neoplastic syndrome; Hereditary Cancer Syndrome; Neoplastic Syndromes, Hereditary. Identifiers: Orphanet 140162, MedGen C0027672, MeSH D009386, MONDO:0015356.

Submission:

Ambry Genetics
Classification: Likely pathogenic for Hereditary cancer-predisposing syndrome. Last evaluated: 2023-10-19. Review status: criteria provided, single submitter. Criteria: Ambry Variant Classification Scheme 2023. Collection method: clinical testing. Allele origin: germline.
Comment: The c.177+1G>T intronic variant results from a G to T substitution one nucleotide after coding exon 1 of the PRKAR1A gene. This nucleotide position is highly conserved in available vertebrate species. In silico splice site analysis predicts that this alteration will weaken the native splice donor site and will result in the creation or strengthening of a novel splice donor site; however, direct evidence is insufficient at this time (Ambry internal data). Alterations that disrupt the canonical splice site are expected to cause aberrant splicing, resulting in an abnormal protein or a transcript that is subject to nonsense-mediated mRNA decay. Based on the supporting evidence, this alteration is likely pathogenic for Carney complex; however, the association of this alteration with acrodysostosis is unknown.